The following is an entry in ClinVar:

NM_004656.4(BAP1):c.781C>G (p.Gln261Glu)

Gene: BAP1 (BRCA1 associated deubiquitinase 1; minus strand). Cytogenetic location: 3p21.1.
Variant type: single nucleotide variant.
Coding change: c.781C>G on transcript NM_004656.4 (MANE Select); coding-DNA position 781, C replaced by G.
Protein change: p.Gln261Glu; replaces glutamine 261 with glutamic acid.
Molecular consequence: missense variant.
Genome position (GRCh38, 1-based): chr3:52,406,255, G>C on the plus strand (C>G on the coding strand, the complement: BAP1 is on the minus strand). VCF-style: chr3-52406255-G-C. GRCh37 (hg19) VCF-style: chr3-52440271-G-C.
Other names: c.727C>G, p.Gln243Glu (NM_001410772.1); short protein forms Q243E, Q261E.
Identifiers: ClinVar variation 2429542 (VCV002429542.5), dbSNP rs772448753, ClinGen allele CA353107027.
Genomic context (GRCh38, chr3:52,406,255, plus strand): 5'-GGAGGAGGAATGCAGGGAGGGTTGGGCTGGGCAGAGGCCAGGAAGAAAGGGCACCTACCT[G>C]CTGCAGAGCCTCTAGTACTGTCTGACGGTTCACCTTCAGCACATGCAGCCTGGCCTCATA-3'
Protein context (NP_004647.1, residues 251-271): NRQTVLEALQ[Gln261Glu]LIRVTQPELI

ClinVar aggregate classification (germline): Conflicting classifications of pathogenicity. Review status: criteria provided, conflicting classifications (1 of 4 stars). 3 submissions from 3 submitters: Uncertain significance (2); Benign (1). Last evaluated 2025-12-17.

Conditions:
Hereditary cancer-predisposing syndrome. Also called: Neoplastic Syndromes, Hereditary; Hereditary neoplastic syndrome; Hereditary Cancer Syndrome; Tumor predisposition. Identifiers: Orphanet 140162, MedGen C0027672, MeSH D009386, MONDO:0015356.
BAP1-related tumor predisposition syndrome (TPDS1). Also called: COMMON Syndrome; Tumor susceptibility linked to germline BAP1 mutations; TUMOR PREDISPOSITION SYNDROME 1; BAP1 tumor predisposition syndrome. Identifiers: Orphanet 289539, MedGen C3280492, MONDO:0013692, OMIM 614327.

Allele frequency attached by ClinVar (database versions not stated): TOPMed 0.00001.

Submissions (3):

Labcorp Genetics (formerly Invitae), Labcorp
Classification: Uncertain significance for BAP1-related tumor predisposition syndrome. Last evaluated: 2025-12-17. Review status: criteria provided, single submitter. Criteria: Invitae Variant Classification Sherloc (09022015). Collection method: clinical testing. Allele origin: germline.
Comment: This sequence change replaces glutamine, which is neutral and polar, with glutamic acid, which is acidic and polar, at codon 261 of the BAP1 protein (p.Gln261Glu). This variant is not present in population databases (gnomAD no frequency). This variant has not been reported in the literature in individuals affected with BAP1-related conditions. ClinVar contains an entry for this variant (Variation ID: 2429542). An algorithm developed to predict the effect of missense changes on protein structure and function (PolyPhen-2) suggests that this variant is likely to be tolerated. In summary, the available evidence is currently insufficient to determine the role of this variant in disease. Therefore, it has been classified as a Variant of Uncertain Significance.

Ambry Genetics
Classification: Benign for Hereditary cancer-predisposing syndrome. Last evaluated: 2025-12-04. Review status: criteria provided, single submitter. Criteria: Ambry Variant Classification Scheme 2023. Collection method: clinical testing. Allele origin: germline.

GeneDx
Classification: Uncertain significance. Last evaluated: 2023-02-09. Review status: criteria provided, single submitter. Criteria: GeneDx Variant Classification Process June 2021. Collection method: clinical testing. Allele origin: germline. Affected: yes.
Comment: Not observed at significant frequency in large population cohorts (gnomAD); In silico analysis supports that this missense variant does not alter protein structure/function; Has not been previously published as pathogenic or benign to our knowledge

Literature cited by the submitters: PubMed 38969833 (cited by Ambry Genetics).